The following is an entry in ClinVar:

NM_001943.5(DSG2):c.378G>A (p.Leu126=)

Gene: DSG2 (desmoglein 2; plus strand). Cytogenetic location: 18q12.1.
Variant type: single nucleotide variant.
Coding change: c.378G>A on transcript NM_001943.5 (MANE Select); coding-DNA position 378, G replaced by A.
Protein change: p.Leu126=; no amino-acid change (leucine 126 retained).
Molecular consequence: synonymous variant.
Genome position (GRCh38, 1-based): chr18:31,520,964, G>A. VCF-style: chr18-31520964-G-A. GRCh37 (hg19) VCF-style: chr18-29100927-G-A.
Identifiers: ClinVar variation 3670421 (VCV003670421.2).

ClinVar aggregate classification (germline): Uncertain significance (1 of 4 stars; one submission).

Conditions:
Arrhythmogenic right ventricular dysplasia 10. Also called: Arrhythmogenic Right Ventricular Dysplasia/Cardiomyopathy10; ARRHYTHMOGENIC RIGHT VENTRICULAR DYSPLASIA, FAMILIAL, 10; Arrhythmogenic right ventricular dysplasia/cardiomyopathy, type 10. Identifiers: MedGen C1857777, MONDO:0012434, OMIM 610193.

gnomAD v4.1: 1 of 1,613,100 alleles (0.000062%); no homozygotes.

Submission:

Labcorp Genetics (formerly Invitae), Labcorp
Classification: Uncertain significance for Arrhythmogenic right ventricular dysplasia 10. Last evaluated: 2024-09-12. Review status: criteria provided, single submitter. Criteria: Invitae Variant Classification Sherloc (09022015). Collection method: clinical testing. Allele origin: germline.
Comment: This sequence change affects codon 126 of the DSG2 mRNA. It is a 'silent' change, meaning that it does not change the encoded amino acid sequence of the DSG2 protein. This variant also falls at the last nucleotide of exon 4, which is part of the consensus splice site for this exon. This variant is not present in population databases (gnomAD no frequency). This variant has not been reported in the literature in individuals affected with DSG2-related conditions. Variants that disrupt the consensus splice site are a relatively common cause of aberrant splicing (PMID: 17576681, 9536098). Algorithms developed to predict the effect of sequence changes on RNA splicing suggest that this variant may disrupt the consensus splice site. In summary, the available evidence is currently insufficient to determine the role of this variant in disease. Therefore, it has been classified as a Variant of Uncertain Significance.

Literature cited by the submitters: PubMed 17576681; PubMed 9536098.